The following is an entry in ClinVar:

ClinVar aggregate classification (germline): Uncertain significance. Review status: criteria provided, multiple submitters, no conflicts (2 of 4 stars). 3 submissions from 3 submitters: Uncertain significance (2). 1 of the submissions does not count toward it. Last evaluated 2026-04-14.

Conditions:
Progressive familial intrahepatic cholestasis type 3. Also called: Low Gamma-GT Familial Intrahepatic Cholestasis; MDR3 DEFICIENCY. Identifiers: Orphanet 79305, MedGen C1865643, MONDO:0011214, OMIM 602347.
ABCB4-related disorder. Also called: ABCB4-related disorders; ABCB4-related condition.
Familial intrahepatic cholestasis. Identifiers: Orphanet 284385, MedGen CN296401, MONDO:0017290.

Allele frequency attached by ClinVar (database versions not stated): gnomAD exomes below 0.00001.
gnomAD v4.1: 1 of 1,581,026 alleles (0.000063%); highest among the groups gnomAD compares: Non-Finnish European, 0.000087%; no homozygotes.

Submissions (3):

Genomenon, Inc
Classification: Uncertain significance for Familial intrahepatic cholestasis. Last evaluated: 2026-04-14. Review status: criteria provided, single submitter. Criteria: Genomenon Sequence Variant Interpretation Standards - Updated. Collection method: curation. Allele origin: germline. Affected: yes.
Comment: ABCB4 p.Arg928Gly (c.2782A>G) is a missense variant that changes the amino acid at residue 928 from Arginine to Glycine. This variant has been observed in at least one proband with an ABCB4-related disorder (PMID:36550572). It has been observed in trans with a pathogenic or likely pathogenic variant (PMID:36550572). It is absent or not present at a significant frequency in gnomAD. In silico models predict that this variant is possibly or probably damaging. In conclusion, we classify ABCB4 p.Arg928Gly (c.2782A>G) as a variant of uncertain significance.

3billion
Classification: Uncertain significance for Progressive familial intrahepatic cholestasis type 3. Last evaluated: 2022-05-22. Review status: criteria provided, single submitter. Criteria: ACMG Guidelines, 2015. Collection method: clinical testing. Allele origin: germline. Affected: yes. Observed: 1 heterozygote.
Comment: The variant is not observed in the gnomAD v2.1.1 dataset. In silico tool predictions suggest damaging effect of the variant on gene or gene product (REVEL: 0.85; 3Cnet: 0.97). Therefore, this variant is classified as uncertain significanceaccording to the recommendation of ACMG/AMP guideline.

PreventionGenetics, part of Exact Sciences
Classification: Uncertain significance for ABCB4-related condition. Last evaluated: 2023-12-21. Review status: no assertion criteria provided. Collection method: clinical testing. Allele origin: germline. Not counted in ClinVar's aggregate classification.
Comment: The ABCB4 c.2782A>G variant is predicted to result in the amino acid substitution p.Arg928Gly. This variant was reported in the compound heterozygous state with a ABCB4 pathogenic variant in an individual with progressive familial intrahepatic cholestasis type 3 (Chen et al. 2022. PubMed ID: 36550572). This variant has not been reported in a large population database, indicating this variant is rare. Although we suspect this variant may be pathogenic, at this time, the clinical significance of this variant is uncertain due to the absence of conclusive functional and genetic evidence.

Literature cited by the submitters: PubMed 36550572 (cited by Genomenon, Inc).

NM_000443.4(ABCB4):c.2782A>G (p.Arg928Gly)

Gene: ABCB4 (ATP binding cassette subfamily B member 4; minus strand). Cytogenetic location: 7q21.12.
Variant type: single nucleotide variant.
Coding change: c.2782A>G on transcript NM_000443.4 (MANE Select); coding-DNA position 2782, A replaced by G.
Protein change: p.Arg928Gly; replaces arginine 928 with glycine.
Molecular consequence: missense variant.
Genome position (GRCh38, 1-based): chr7:87,413,618, T>C on the plus strand (A>G on the coding strand, the complement: ABCB4 is on the minus strand). VCF-style: chr7-87413618-T-C. GRCh37 (hg19) VCF-style: chr7-87042934-T-C.
Other names: c.2782A>G, p.Arg928Gly (NM_018849.3, NM_018850.3); c.2782A>G (NM_000443.3); short protein forms R928G.
Identifiers: ClinVar variation 1687349 (VCV001687349.4), dbSNP rs2116424316, ClinGen allele CA368060773.
Genomic context (GRCh38, chr7:87,413,618, plus strand): 5'-ACAATAATTCAGCCTTAGGAAAGCACTAGGTTCTTAGCAGGAATCATATGGTTCATTACC[T>C]GTAAGGTCCATACAATTTTTCAACATACATTGATTCAAATTTTCTTTCCTGGGTCAAAGA-3'
Protein context (NP_000434.1, residues 918-938): MYVEKLYGPY[Arg928Gly]NSVQKAHIYG